The following is an entry in ClinVar:

NM_001042492.3(NF1):c.2237del (p.Asn746fs)

Gene: NF1 (neurofibromin 1; plus strand). Cytogenetic location: 17q11.2.
Variant type: Deletion.
Coding change: c.2237del on transcript NM_001042492.3 (MANE Select); coding-DNA position 2237, one base deleted (A; older notation c.2237delA).
Protein change: p.Asn746fs; shifts the reading frame from asparagine 746.
Molecular consequence: frameshift variant.
Genome position (GRCh38, 1-based): chr17:31,226,670, A deleted; the last of 2 consecutive A bases (chr17:31,226,669-31,226,670); deleting either gives the same sequence. VCF-style (leftmost placement, unchanged base first): chr17-31226668-CA-C. GRCh37 (hg19) VCF-style: chr17-29553686-CA-C.
Other names: c.2237delA, p.Asn746Ilefs (NM_000267.4); short protein forms N746fs.
Identifiers: ClinVar variation 480107 (VCV000480107.3), dbSNP rs1555613838, ClinGen allele CA658656608.

ClinVar aggregate classification (germline): Pathogenic (1 of 4 stars; one submission).

Conditions:
Hereditary cancer-predisposing syndrome. Also called: Hereditary Cancer Syndrome; Neoplastic Syndromes, Hereditary; Tumor predisposition; Hereditary neoplastic syndrome. Identifiers: Orphanet 140162, MedGen C0027672, MeSH D009386, MONDO:0015356.

Submission:

Ambry Genetics
Classification: Pathogenic for Hereditary cancer-predisposing syndrome. Last evaluated: 2016-03-14. Review status: criteria provided, single submitter. Criteria: Ambry Autosomal Dominant and X-Linked criteria (10/2015). Collection method: clinical testing. Allele origin: germline. Observed: 1 variant allele.
Comment: The c.2237delA pathogenic mutation, located in coding exon 18 of the NF1 gene, results from a deletion of one nucleotide at nucleotide position 2237, causing a translational frameshift with a predicted alternate stop codon. Since frameshifts are typically deleterious in nature, this alteration is interpreted as a disease-causing mutation (ACMG Recommendations for Standards for Interpretation and Reporting of Sequence Variations. Revision 2007. Genet Med. 2008;10:294).